The following is an entry in ClinVar:

NM_005751.5(AKAP9):c.4149-261A>G

Gene: AKAP9 (A-kinase anchoring protein 9; plus strand). Cytogenetic location: 7q21.2.
Variant type: single nucleotide variant.
Coding change: c.4149-261A>G on transcript NM_005751.5 (MANE Select); 261 bases into the intron before coding-DNA position 4149, A replaced by G.
Molecular consequence: intron variant.
Genome position (GRCh38, 1-based): chr7:92,029,634, A>G. VCF-style: chr7-92029634-A-G. GRCh37 (hg19) VCF-style: chr7-91658948-A-G.
Other names: c.4149-261A>G (NM_147185.3).
Identifiers: ClinVar variation 669906 (VCV000669906.1), dbSNP rs116920610, ClinGen allele CA161891121.

ClinVar aggregate classification (germline): Likely benign (1 of 4 stars; one submission).

Allele frequency attached by ClinVar (database versions not stated): 1000 Genomes Project 30x 0.01031; 1000 Genomes Project 0.01038; TOPMed 0.01120; gnomAD 0.01378 and 0.01457.
gnomAD v4.1: 2,207 of 152,348 alleles (1.4%); highest among the groups gnomAD compares: South Asian, 4%; 29 homozygotes.

Submission:

GeneDx
Classification: Likely benign. Last evaluated: 2018-06-19. Review status: criteria provided, single submitter. Criteria: GeneDx Variant Classification (06012015). Collection method: clinical testing. Allele origin: germline. Affected: yes.
Comment: This variant is considered likely benign or benign based on one or more of the following criteria: it is a conservative change, it occurs at a poorly conserved position in the protein, it is predicted to be benign by multiple in silico algorithms, and/or has population frequency not consistent with disease.